The following is an entry in ClinVar:

NM_001271938.2(MEGF8):c.7592C>T (p.Ala2531Val)

Gene: MEGF8 (multiple EGF like domains 8; plus strand). Cytogenetic location: 19q13.2.
Variant type: single nucleotide variant.
Coding change: c.7592C>T on transcript NM_001271938.2 (MANE Select); coding-DNA position 7592, C replaced by T.
Protein change: p.Ala2531Val; replaces alanine 2531 with valine.
Molecular consequence: missense variant.
Genome position (GRCh38, 1-based): chr19:42,375,829, C>T. VCF-style: chr19-42375829-C-T. GRCh37 (hg19) VCF-style: chr19-42879981-C-T.
Other names: c.7391C>T, p.Ala2464Val (NM_001410.3); short protein forms A2531V, A2464V.
Identifiers: ClinVar variation 946003 (VCV000946003.7), dbSNP rs773102301, ClinGen allele CA9476209.

ClinVar aggregate classification (germline): Uncertain significance. Review status: criteria provided, multiple submitters, no conflicts (2 of 4 stars). 2 submissions from 2 submitters: Uncertain significance (2). Last evaluated 2025-08-08.

Conditions:
Inborn genetic diseases. Identifiers: MedGen C0950123, MeSH D030342.
MEGF8-related Carpenter syndrome. Also called: Carpenter syndrome 2. Identifiers: Orphanet 65759, MedGen C3554247, MONDO:0013998, OMIM 614976.

Allele frequency attached by ClinVar (database versions not stated): gnomAD 0.00001; gnomAD exomes 0.00001 and 0.00004; TOPMed 0.00001; ExAC 0.00002.
gnomAD v4.1: 54 of 1,611,528 alleles (0.0034%); highest among the groups gnomAD compares: Non-Finnish European, 0.0044%; no homozygotes.

Submissions (2):

Ambry Genetics
Classification: Uncertain significance for Inborn genetic diseases. Last evaluated: 2025-08-08. Review status: criteria provided, single submitter. Criteria: Ambry Variant Classification Scheme 2023. Collection method: clinical testing. Allele origin: germline.

Labcorp Genetics (formerly Invitae), Labcorp
Classification: Uncertain significance for MEGF8-related Carpenter syndrome. Last evaluated: 2021-09-01. Review status: criteria provided, single submitter. Criteria: Invitae Variant Classification Sherloc (09022015). Collection method: clinical testing. Allele origin: germline.
Comment: This sequence change replaces alanine with valine at codon 2464 of the MEGF8 protein (p.Ala2464Val). The alanine residue is weakly conserved and there is a small physicochemical difference between alanine and valine. This variant is present in population databases (rs773102301, ExAC 0.003%). This variant has not been reported in the literature in individuals affected with MEGF8-related conditions. Algorithms developed to predict the effect of missense changes on protein structure and function (SIFT, PolyPhen-2, Align-GVGD) all suggest that this variant is likely to be tolerated. In summary, the available evidence is currently insufficient to determine the role of this variant in disease. Therefore, it has been classified as a Variant of Uncertain Significance.